The following is an entry in ClinVar:

NM_001370658.1(BTD):c.967G>C (p.Gly323Arg)

Gene: BTD (biotinidase; plus strand). Cytogenetic location: 3p25.1.
Variant type: single nucleotide variant.
Coding change: c.967G>C on transcript NM_001370658.1 (MANE Select); coding-DNA position 967, G replaced by C.
Protein change: p.Gly323Arg; replaces glycine 323 with arginine.
Molecular consequence: missense variant. On other transcripts: intron variant (6).
Genome position (GRCh38, 1-based): chr3:15,644,883, G>C. VCF-style: chr3-15644883-G-C. GRCh37 (hg19) VCF-style: chr3-15686390-G-C.
Other names: c.967G>C, p.Gly323Arg (NM_001281723.4, NM_001281724.3, NM_001281725.3 and 18 more transcripts); c.399+2826G>C (NM_001370753.1, NM_001407400.1, NM_001407401.1 and 3 more transcripts); short protein forms G323R.
Identifiers: ClinVar variation 5003224 (VCV005003224.1).

ClinVar aggregate classification (germline): Uncertain significance (1 of 4 stars; one submission).

Conditions:
Biotinidase deficiency. Also called: BTD deficiency; Late-onset biotin-responsive multiple carboxylase deficiency; Biotin deficiency. Identifiers: Orphanet 79241, MedGen C0220754, MONDO:0009665, OMIM 253260.

gnomAD v4.1: 2 of 1,614,078 alleles (0.00012%); highest among the groups gnomAD compares: Non-Finnish European, 0.00017%; no homozygotes.

Submission:

Myriad Genetics, Inc.
Classification: Uncertain significance for Biotinidase deficiency. Last evaluated: 2026-05-14. Review status: criteria provided, single submitter. Criteria: Myriad Autosomal Dominant, Autosomal Recessive and X-Linked Classification Criteria (2023). Collection method: clinical testing. Allele origin: unknown.
Comment: NM_000060.2(BTD):c.1027G>C(G343R) is a missense variant classified as a variant of uncertain significance in the context of biotinidase deficiency. G343R has been observed in a case with relevant disease (PMID: 39451125). Relevant functional assessments of this variant are not available in the literature. G343R has been observed in referenced population frequency databases. In summary, there is insufficient evidence to classify NM_000060.2(BTD):c.1027G>C(G343R) as pathogenic or benign. Please note: this variant was assessed in the context of healthy population screening.

Literature cited by the submitters: PubMed 39451125.